The following is an entry in ClinVar:

ClinVar aggregate classification (germline): Uncertain significance. Review status: criteria provided, multiple submitters, no conflicts (2 of 4 stars). 4 submissions from 4 submitters: Uncertain significance (4). Last evaluated 2024-02-01.

Conditions:
Hereditary cancer-predisposing syndrome. Also called: Neoplastic Syndromes, Hereditary; Tumor predisposition; Hereditary Cancer Syndrome; Hereditary neoplastic syndrome. Identifiers: Orphanet 140162, MedGen C0027672, MeSH D009386, MONDO:0015356.
Familial adenomatous polyposis 1 (FAP1). Also called: FAMILIAL ADENOMATOUS POLYPOSIS 1, ATTENUATED; POLYPOSIS, ADENOMATOUS INTESTINAL. Identifiers: MedGen C2713442, MONDO:0021056, OMIM 175100. Disease mechanism: loss of function.

Submissions (4):

Labcorp Genetics (formerly Invitae), Labcorp
Classification: Uncertain significance for Familial adenomatous polyposis 1. Last evaluated: 2024-02-01. Review status: criteria provided, single submitter. Criteria: Invitae Variant Classification Sherloc (09022015). Collection method: clinical testing. Allele origin: germline.
Comment: This sequence change replaces tryptophan, which is neutral and slightly polar, with glycine, which is neutral and non-polar, at codon 2101 of the APC protein (p.Trp2101Gly). This variant is not present in population databases (gnomAD no frequency). This variant has not been reported in the literature in individuals affected with APC-related conditions. ClinVar contains an entry for this variant (Variation ID: 919325). Advanced modeling of protein sequence and biophysical properties (such as structural, functional, and spatial information, amino acid conservation, physicochemical variation, residue mobility, and thermodynamic stability) has been performed at Invitae for this missense variant, however the output from this modeling did not meet the statistical confidence thresholds required to predict the impact of this variant on APC protein function. In summary, the available evidence is currently insufficient to determine the role of this variant in disease. Therefore, it has been classified as a Variant of Uncertain Significance.

Color Diagnostics, LLC DBA Color Health
Classification: Uncertain significance for Hereditary cancer-predisposing syndrome. Last evaluated: 2023-12-04. Review status: criteria provided, single submitter. Criteria: ACMG Guidelines, 2015. Collection method: clinical testing. Allele origin: germline.
Comment: This missense variant replaces tryptophan with glycine at codon 2101 of the APC protein. Computational prediction suggests that this variant may have deleterious impact on protein structure and function (internally defined REVEL score threshold >= 0.7, PMID: 27666373). To our knowledge, functional studies have not been reported for this variant. This variant has not been reported in individuals affected with APC-related disorders in the literature. This variant has not been identified in the general population by the Genome Aggregation Database (gnomAD). The available evidence is insufficient to determine the role of this variant in disease conclusively. Therefore, this variant is classified as a Variant of Uncertain Significance.

GeneDx
Classification: Uncertain significance. Last evaluated: 2023-11-05. Review status: criteria provided, single submitter. Criteria: GeneDx Variant Classification Process June 2021. Collection method: clinical testing. Allele origin: germline. Affected: yes.
Comment: Not observed at significant frequency in large population cohorts (gnomAD); In silico analysis supports that this missense variant has a deleterious effect on protein structure/function; Has not been previously published as pathogenic or benign to our knowledge

Ambry Genetics
Classification: Uncertain significance for Hereditary cancer-predisposing syndrome. Last evaluated: 2020-09-29. Review status: criteria provided, single submitter. Criteria: Ambry Variant Classification Scheme 2023. Collection method: clinical testing. Allele origin: germline.
Comment: The p.W2101G variant (also known as c.6301T>G), located in coding exon 15 of the APC gene, results from a T to G substitution at nucleotide position 6301. The tryptophan at codon 2101 is replaced by glycine, an amino acid with highly dissimilar properties. This amino acid position is highly conserved in available vertebrate species. In addition, in silico predictors for this gene do not accurately predict pathogenicity. Since supporting evidence is limited at this time, the clinical significance of this alteration remains unclear.

NM_000038.6(APC):c.6301T>G (p.Trp2101Gly)

Gene: APC (APC regulator of Wnt signaling pathway; plus strand). Cytogenetic location: 5q22.2.
Variant type: single nucleotide variant.
Coding change: c.6301T>G on transcript NM_000038.6 (MANE Select); coding-DNA position 6301, T replaced by G.
Protein change: p.Trp2101Gly; replaces tryptophan 2101 with glycine.
Molecular consequence: missense variant.
Genome position (GRCh38, 1-based): chr5:112,841,895, T>G. VCF-style: chr5-112841895-T-G. GRCh37 (hg19) VCF-style: chr5-112177592-T-G.
Other names: c.6301T>G, p.Trp2101Gly (NM_001127510.3, NM_001354895.2); c.6247T>G, p.Trp2083Gly (NM_001127511.3); c.6355T>G, p.Trp2119Gly (NM_001354896.2); c.6331T>G, p.Trp2111Gly (NM_001354897.2); c.6226T>G, p.Trp2076Gly (NM_001354898.2); c.6217T>G, p.Trp2073Gly (NM_001354899.2); c.6178T>G, p.Trp2060Gly (NM_001354900.2); c.6124T>G, p.Trp2042Gly (NM_001354901.2); and 5 more; short protein forms W1941G, W2010G, W2101G, W2111G, W1818G, W1975G, W2076G, W2083G.
Identifiers: ClinVar variation 919325 (VCV000919325.15), dbSNP rs1766184458, ClinGen allele CA16035131.